The following is an entry in ClinVar:

NM_015404.4(WHRN):c.512T>C (p.Val171Ala)

Gene: WHRN (whirlin; minus strand). Cytogenetic location: 9q32.
Variant type: single nucleotide variant.
Coding change: c.512T>C on transcript NM_015404.4 (MANE Select); coding-DNA position 512, T replaced by C.
Protein change: p.Val171Ala; replaces valine 171 with alanine.
Molecular consequence: missense variant.
Genome position (GRCh38, 1-based): chr9:114,504,290, A>G on the plus strand (T>C on the coding strand, the complement: WHRN is on the minus strand). VCF-style: chr9-114504290-A-G. GRCh37 (hg19) VCF-style: chr9-117266570-A-G.
Other names: c.512T>C, p.Val171Ala (NM_001173425.2); short protein forms V171A.
Identifiers: ClinVar variation 1515829 (VCV001515829.6), dbSNP rs2133473658, ClinGen allele CA374612006.
Genomic context (GRCh38, chr9:114,504,290, plus strand): 5'-ACGCGCAGAATCTGGTCCCCGACCCGCAGTCCTTCCTTCTCAGCTAGAGAGCCTGGTTCC[A>G]CCAGAGACACGTAGATGCCCACGCCGTGCTCCGAGCCCCCACGGATGCTGAAGCCCAAGC-3'
Protein context (NP_056219.3, residues 161-181): EHGVGIYVSL[Val171Ala]EPGSLAEKEG

ClinVar aggregate classification (germline): Uncertain significance (1 of 4 stars; one submission).

Submission:

Labcorp Genetics (formerly Invitae), Labcorp
Classification: Uncertain significance. Last evaluated: 2021-08-28. Review status: criteria provided, single submitter. Criteria: Invitae Variant Classification Sherloc (09022015). Collection method: clinical testing. Allele origin: germline.
Comment: In summary, the available evidence is currently insufficient to determine the role of this variant in disease. Therefore, it has been classified as a Variant of Uncertain Significance. Algorithms developed to predict the effect of missense changes on protein structure and function (SIFT, PolyPhen-2, Align-GVGD) all suggest that this variant is likely to be disruptive. This variant has not been reported in the literature in individuals affected with WHRN-related conditions. This variant is not present in population databases (ExAC no frequency). This sequence change replaces valine with alanine at codon 171 of the WHRN protein (p.Val171Ala). The valine residue is highly conserved and there is a small physicochemical difference between valine and alanine.